The following is an entry in ClinVar:

ClinVar aggregate classification (germline): Likely pathogenic. Review status: criteria provided, multiple submitters, no conflicts (2 of 4 stars). 2 submissions from 2 submitters: Likely pathogenic (2). Last evaluated 2024-05-15.

Conditions:
Houge-Janssens syndrome 3. Also called: NEURODEVELOPMENTAL DISORDER AND LANGUAGE DELAY WITH OR WITHOUT STRUCTURAL BRAIN ABNORMALITIES. Identifiers: MedGen C5193048, MONDO:0032697, OMIM 618354.

Submissions (2):

Labcorp Genetics (formerly Invitae), Labcorp
Classification: Likely pathogenic. Last evaluated: 2024-05-15. Review status: criteria provided, single submitter. Criteria: Invitae Variant Classification Sherloc (09022015). Collection method: clinical testing. Allele origin: germline.
Comment: This sequence change replaces tyrosine, which is neutral and polar, with cysteine, which is neutral and slightly polar, at codon 127 of the PPP2CA protein (p.Tyr127Cys). This variant is not present in population databases (gnomAD no frequency). This missense change has been observed in individual(s) with intellectual disability (PMID: 30595372). In at least one individual the variant was observed to be de novo. ClinVar contains an entry for this variant (Variation ID: 692148). Advanced modeling of protein sequence and biophysical properties (such as structural, functional, and spatial information, amino acid conservation, physicochemical variation, residue mobility, and thermodynamic stability) performed at Invitae indicates that this missense variant is expected to disrupt PPP2CA protein function with a positive predictive value of 80%. Experimental studies have shown that this missense change affects PPP2CA function (PMID: 30595372). In summary, the currently available evidence indicates that the variant is pathogenic, but additional data are needed to prove that conclusively. Therefore, this variant has been classified as Likely Pathogenic.

SIB Swiss Institute of Bioinformatics
Classification: Likely pathogenic for Houge-Janssens syndrome 3. Last evaluated: 2019-07-15. Review status: criteria provided, single submitter. Criteria: ACMG Guidelines, 2015. Collection method: curation. Allele origin: unknown.
Comment: This variant is interpreted as a Likely pathogenic for Neurodevelopmental disorder and language delay with or without structural brain abnormalities, autosomal dominant. The following ACMG Tag(s) were applied: PM2, PM6, PS3.

Literature cited by the submitters: PubMed 30595372 (cited by Labcorp Genetics (formerly Invitae), Labcorp and SIB Swiss Institute of Bioinformatics).

NM_002715.4(PPP2CA):c.380A>G (p.Tyr127Cys)

Gene: PPP2CA (protein phosphatase 2 catalytic subunit alpha; minus strand). Cytogenetic location: 5q31.1.
Variant type: single nucleotide variant.
Coding change: c.380A>G on transcript NM_002715.4 (MANE Select); coding-DNA position 380, A replaced by G.
Protein change: p.Tyr127Cys; replaces tyrosine 127 with cysteine.
Molecular consequence: missense variant. On other transcripts: non-coding transcript variant (1).
Genome position (GRCh38, 1-based): chr5:134,201,954, T>C on the plus strand (A>G on the coding strand, the complement: PPP2CA is on the minus strand). VCF-style: chr5-134201954-T-C. GRCh37 (hg19) VCF-style: chr5-133537645-T-C.
Other names: c.185A>G, p.Tyr62Cys (NM_001355019.2); short protein forms Y127C, Y62C.
Identifiers: ClinVar variation 692148 (VCV000692148.4), dbSNP rs1580637688, ClinGen allele CA360993139.